The following is an entry in ClinVar:

ClinVar aggregate classification (germline): Uncertain significance (1 of 4 stars; one submission).

Submission:

CeGaT Center for Human Genetics Tuebingen
Classification: Uncertain significance. Last evaluated: 2025-08-01. Review status: criteria provided, single submitter. Criteria: CeGaT Center For Human Genetics Tuebingen Variant Classification Criteria Version 2. Collection method: clinical testing. Allele origin: germline. Affected: yes. Observed: 1 variant allele.
Comment: NLRX1: PM2, PP3

NM_001282144.2(NLRX1):c.70+1G>A

Gene: NLRX1 (NLR family member X1; plus strand). Cytogenetic location: 11q23.3.
Variant type: single nucleotide variant.
Coding change: c.70+1G>A on transcript NM_001282144.2 (MANE Select); the canonical splice donor site of the intron after coding-DNA position 70, G replaced by A.
Molecular consequence: splice donor variant.
Genome position (GRCh38, 1-based): chr11:119,171,474, G>A. VCF-style: chr11-119171474-G-A. GRCh37 (hg19) VCF-style: chr11-119042183-G-A.
Other names: c.70+1G>A (NM_001282358.2, NM_024618.4, NM_170722.2 and 1 more transcripts).
Identifiers: ClinVar variation 4084626 (VCV004084626.8).